The following is an entry in ClinVar:

ClinVar aggregate classification (germline): Uncertain significance. Review status: criteria provided, multiple submitters, no conflicts (2 of 4 stars). 3 submissions from 3 submitters: Uncertain significance (3). Last evaluated 2025-10-13.

Conditions:
Inborn genetic diseases. Identifiers: MedGen C0950123, MeSH D030342.
Short-rib thoracic dysplasia 7 with or without polydactyly (SRTD7). Also called: Short rib polydactyly syndrome 5; SHORT-RIB THORACIC DYSPLASIA 7 WITH POLYDACTYLY. Identifiers: Orphanet 498497, Orphanet 93271, MedGen C3279792, MONDO:0013569, OMIM 614091.
Cranioectodermal dysplasia 2 (CED2). Identifiers: Orphanet 1515, MedGen C3150874, MONDO:0013323, OMIM 613610.
WDR35-related disorder. Also called: WDR35-related disorders; WDR35-related condition. Identifiers: MedGen CN239419.

Allele frequency attached by ClinVar (database versions not stated): gnomAD exomes below 0.00001.
gnomAD v4.1: 4 of 1,613,786 alleles (0.00025%); highest among the groups gnomAD compares: Non-Finnish European, 0.00025%; no homozygotes.

Submissions (3):

PreventionGenetics, part of Exact Sciences
Classification: Uncertain significance for WDR35-related condition. Last evaluated: 2025-10-13. Review status: criteria provided, single submitter. Criteria: ACMG Guidelines, 2015. Collection method: clinical testing. Allele origin: germline.
Comment: The WDR35 c.613A>G variant is predicted to result in the amino acid substitution p.Ile205Val. To our knowledge, this variant has not been reported in the literature. This variant is reported in 0.00088% of alleles in individuals of European (Non-Finnish) descent in gnomAD. At this time, the clinical significance of this variant is uncertain due to the absence of conclusive functional and genetic evidence.

Ambry Genetics
Classification: Uncertain significance for Inborn genetic diseases. Last evaluated: 2025-08-01. Review status: criteria provided, single submitter. Criteria: Ambry Variant Classification Scheme 2023. Collection method: clinical testing. Allele origin: germline.

Labcorp Genetics (formerly Invitae), Labcorp
Classification: Uncertain significance for Cranioectodermal dysplasia 2; Short-rib thoracic dysplasia 7 with or without polydactyly. Last evaluated: 2022-05-22. Review status: criteria provided, single submitter. Criteria: Invitae Variant Classification Sherloc (09022015). Collection method: clinical testing. Allele origin: germline.
Comment: In summary, the available evidence is currently insufficient to determine the role of this variant in disease. Therefore, it has been classified as a Variant of Uncertain Significance. Algorithms developed to predict the effect of missense changes on protein structure and function output the following: SIFT: "Tolerated"; PolyPhen-2: "Benign"; Align-GVGD: "Class C0". The valine amino acid residue is found in multiple mammalian species, which suggests that this missense change does not adversely affect protein function. This variant has not been reported in the literature in individuals affected with WDR35-related conditions. This variant is present in population databases (no rsID available, gnomAD 0.0009%). This sequence change replaces isoleucine, which is neutral and non-polar, with valine, which is neutral and non-polar, at codon 205 of the WDR35 protein (p.Ile205Val).

NM_020779.4(WDR35):c.613A>G (p.Ile205Val)

Gene: WDR35 (WD repeat domain 35; minus strand). Cytogenetic location: 2p24.1.
Variant type: single nucleotide variant.
Coding change: c.613A>G on transcript NM_020779.4 (MANE Select); coding-DNA position 613, A replaced by G.
Protein change: p.Ile205Val; replaces isoleucine 205 with valine.
Molecular consequence: missense variant.
Genome position (GRCh38, 1-based): chr2:19,974,591, T>C on the plus strand (A>G on the coding strand, the complement: WDR35 is on the minus strand). VCF-style: chr2-19974591-T-C. GRCh37 (hg19) VCF-style: chr2-20174352-T-C.
Other names: c.613A>G, p.Ile205Val (NM_001006657.2); short protein forms I205V.
Identifiers: ClinVar variation 1907876 (VCV001907876.8), dbSNP rs1407593014, ClinGen allele CA345947333.